The following is an entry in ClinVar:

NC_000011.9:g.(?_31284590)_(31832374_?)del

Genes: DNAJC24 (DnaJ heat shock protein family (Hsp40) member C24; plus strand), IMMP1L (inner mitochondrial membrane peptidase subunit 1; minus strand), PAX6 (paired box 6; minus strand), DCDC1 (doublecortin domain containing 1; minus strand), ELP4 (elongator acetyltransferase complex subunit 4; plus strand). Cytogenetic location: 11p13.
Variant type: Deletion.
Identifiers: ClinVar variation 647471 (VCV000647471.2).

ClinVar aggregate classification (germline): Pathogenic (1 of 4 stars; one submission).

Conditions:
Aniridia 1 (AN1). Identifiers: Orphanet 250923, MedGen C0344542, MONDO:0024507, OMIM 106210.
Irido-corneo-trabecular dysgenesis (ASGD5). Also called: ANTERIOR SEGMENT DYSGENESIS 5. Identifiers: Orphanet 708, MedGen C0344559, MONDO:0011414, OMIM 604229, HP:0000659.

Submission:

Labcorp Genetics (formerly Invitae), Labcorp
Classification: Pathogenic for Aniridia 1; Irido-corneo-trabecular dysgenesis. Last evaluated: 2019-11-13. Review status: criteria provided, single submitter. Criteria: Invitae Variant Classification Sherloc (09022015). Collection method: clinical testing. Allele origin: germline.
Comment: A gross deletion of the genomic region encompassing the full coding sequence of the PAX6 gene has been identified. The boundaries of this event are unknown as the deletion extends beyond the assayed region for this gene and therefore may encompass additional genes. A similar deletion of the PAX6 gene has been observed in several individuals affected with aniridia (PMID: 26661695, 10737978) as well an individual affected with Rieger syndrome (PMID: 11284764). In addition, it has been reported as part of a larger deletion with the WT1 gene in individuals affected with WAGR syndrome (PMID: 17630404, 24138039). Loss-of-function variants in PAX6 are known to be pathogenic (PMID: 12634864). For these reasons, this variant has been classified as Pathogenic.

Literature cited by the submitters: PubMed 24138039; PubMed 26661695; PubMed 17630404; PubMed 11284764; PubMed 10737978.